The following is an entry in ClinVar:

ClinVar aggregate classification (germline): Uncertain significance (1 of 4 stars; one submission).

gnomAD v4.1: 36 of 1,608,680 alleles (0.0022%); highest among the groups gnomAD compares: South Asian, 0.027%; no homozygotes.

Submission:

Dasa
Classification: Uncertain significance. Last evaluated: 2026-04-26. Review status: criteria provided, single submitter. Criteria: DASA Assertion Criteria. Collection method: clinical testing. Allele origin: germline.
Comment: NM_005085.4(NUP214):c.1949G>A (p.Arg650Gln) is a missense variant that results in the substitution of arginine with glutamine. This variant is rare in population databases. The currently available literature and clinical evidence are not sufficient to establish a definitive association between this variant and the reported condition. Therefore, this variant is classified as a variant of uncertain significance.

NM_005085.4(NUP214):c.1949G>A (p.Arg650Gln)

Gene: NUP214 (nucleoporin 214; plus strand). Cytogenetic location: 9q34.13.
Variant type: single nucleotide variant.
Coding change: c.1949G>A on transcript NM_005085.4 (MANE Select); coding-DNA position 1949, G replaced by A.
Protein change: p.Arg650Gln; replaces arginine 650 with glutamine.
Molecular consequence: missense variant.
Genome position (GRCh38, 1-based): chr9:131,147,493, G>A. VCF-style: chr9-131147493-G-A. GRCh37 (hg19) VCF-style: chr9-134022880-G-A.
Other names: c.1919G>A, p.Arg640Gln (NM_001318324.2); short protein forms R640Q, R650Q.
Identifiers: ClinVar variation 4885128 (VCV004885128.2).